The following is an entry in ClinVar:

ClinVar aggregate classification (germline): Uncertain significance. Review status: criteria provided, multiple submitters, no conflicts (2 of 4 stars). 3 submissions from 3 submitters: Uncertain significance (3). Last evaluated 2024-03-24.

Conditions:
Cardiovascular phenotype. Identifiers: MedGen CN230736.
Hypertrophic cardiomyopathy. Also called: HYPERTROPHIC MYOCARDIOPATHY. Identifiers: Orphanet 217569, MedGen C0007194, MeSH D002312, MONDO:0005045, HP:0001639.

gnomAD v4.1: 1 of 1,584,354 alleles (0.000063%); highest among the groups gnomAD compares: Non-Finnish European, 0.000086%; no homozygotes.

Submissions (3):

Labcorp Genetics (formerly Invitae), Labcorp
Classification: Uncertain significance for Hypertrophic cardiomyopathy. Last evaluated: 2024-03-24. Review status: criteria provided, single submitter. Criteria: Invitae Variant Classification Sherloc (09022015). Collection method: clinical testing. Allele origin: germline.
Comment: This sequence change replaces glycine, which is neutral and non-polar, with arginine, which is basic and polar, at codon 150 of the JPH2 protein (p.Gly150Arg). This variant is not present in population databases (gnomAD no frequency). This variant has not been reported in the literature in individuals affected with JPH2-related conditions. ClinVar contains an entry for this variant (Variation ID: 449607). An algorithm developed to predict the effect of missense changes on protein structure and function (PolyPhen-2) suggests that this variant is likely to be disruptive. In summary, the available evidence is currently insufficient to determine the role of this variant in disease. Therefore, it has been classified as a Variant of Uncertain Significance.

Ambry Genetics
Classification: Uncertain significance for Cardiovascular phenotype. Last evaluated: 2019-10-07. Review status: criteria provided, single submitter. Criteria: Ambry Variant Classification Scheme 2023. Collection method: clinical testing. Allele origin: germline.
Comment: The p.G150R variant (also known as c.448G>C), located in coding exon 2 of the JPH2 gene, results from a G to C substitution at nucleotide position 448. The glycine at codon 150 is replaced by arginine, an amino acid with dissimilar properties. This amino acid position is highly conserved in available vertebrate species. In addition, this alteration is predicted to be deleterious by in silico analysis. Since supporting evidence is limited at this time, the clinical significance of this alteration remains unclear.

GeneDx
Classification: Uncertain significance. Last evaluated: 2015-12-03. Review status: criteria provided, single submitter. Criteria: GeneDx Variant Classification (06012015). Collection method: clinical testing. Allele origin: germline. Affected: yes.
Comment: A novel variant of uncertain significance has been identified in the JPH2 gene. The G150R variant has not been published as a pathogenic variant, nor has it been reported as a benign variant to our knowledge. This variant was not observed in approximately 6,200 individuals of European and African American ancestry in the NHLBI Exome Sequencing Project, indicating it is not a common benign variant in these populations. The G150R variant is a non-conservative amino acid substitution, which is likely to impact secondary protein structure as these residues differ in polarity, charge, size and/or other properties. This substitution occurs at a position that is conserved across species and in silico analysis predicts this variant is probably damaging to the protein structure/function. However, only one missense variants in a nearby residue (Y141H) has been reported in the Human Gene Mutation Database in association with HCM (Stenson et al., 2014). Therefore, based on the currently available information, it is unclear whether this variant is pathogenic or rare benign.

NM_020433.5(JPH2):c.448G>C (p.Gly150Arg)

Gene: JPH2 (junctophilin 2; minus strand). Cytogenetic location: 20q13.12.
Variant type: single nucleotide variant.
Coding change: c.448G>C on transcript NM_020433.5 (MANE Select); coding-DNA position 448, G replaced by C.
Protein change: p.Gly150Arg; replaces glycine 150 with arginine.
Molecular consequence: missense variant.
Genome position (GRCh38, 1-based): chr20:44,160,339, C>G on the plus strand (G>C on the coding strand, the complement: JPH2 is on the minus strand). VCF-style: chr20-44160339-C-G. GRCh37 (hg19) VCF-style: chr20-42788979-C-G.
Other names: short protein forms G150R.
Identifiers: ClinVar variation 449607 (VCV000449607.13), dbSNP rs1231304653, ClinGen allele CA409094359.